The following is an entry in ClinVar:

ClinVar aggregate classification (germline): Uncertain significance (1 of 4 stars; one submission).

Submission:

Labcorp Genetics (formerly Invitae), Labcorp
Classification: Uncertain significance. Last evaluated: 2025-05-10. Review status: criteria provided, single submitter. Criteria: Invitae Variant Classification Sherloc (09022015). Collection method: clinical testing. Allele origin: germline.
Comment: This sequence change replaces alanine, which is neutral and non-polar, with glycine, which is neutral and non-polar, at codon 960 of the MICAL1 protein (p.Ala960Gly). This variant is not present in population databases (gnomAD no frequency). This variant has not been reported in the literature in individuals affected with MICAL1-related conditions. ClinVar contains an entry for this variant (Variation ID: 2033566). An algorithm developed to predict the effect of missense changes on protein structure and function (PolyPhen-2) suggests that this variant is likely to be tolerated. In summary, the available evidence is currently insufficient to determine the role of this variant in disease. Therefore, it has been classified as a Variant of Uncertain Significance.

NM_022765.4(MICAL1):c.2822C>G (p.Ala941Gly)

Gene: MICAL1 (microtubule associated monooxygenase, calponin and LIM domain containing 1; minus strand). Cytogenetic location: 6q21.
Variant type: single nucleotide variant.
Coding change: c.2822C>G on transcript NM_022765.4 (MANE Select); coding-DNA position 2822, C replaced by G.
Protein change: p.Ala941Gly; replaces alanine 941 with glycine.
Molecular consequence: missense variant.
Genome position (GRCh38, 1-based): chr6:109,445,256, G>C on the plus strand (C>G on the coding strand, the complement: MICAL1 is on the minus strand). VCF-style: chr6-109445256-G-C. GRCh37 (hg19) VCF-style: chr6-109766459-G-C.
Other names: c.2564C>G, p.Ala855Gly (NM_001159291.2); c.2879C>G, p.Ala960Gly (NM_001286613.2); short protein forms A855G, A960G, A941G.
Identifiers: ClinVar variation 2033566 (VCV002033566.4), dbSNP rs1282864467, ClinGen allele CA365221567.
Genomic context (GRCh38, chr6:109,445,256, plus strand): 5'-CTGCTCTGGCGCCTCAAGGCCAGCTCCAGCTTCACGCCCTCGGCCTCTAGCTCCCTCAAG[G>C]CAGCCTCAATCTCATTTAGTCGCCGTTGGATGGTCTGAGGGGTACAAGACAGAATATCCA-3'
Protein context (NP_073602.3, residues 931-951): IQRRLNEIEA[Ala941Gly]LRELEAEGVK